The following continues an entry in ClinVar:

NM_000535.7(PMS2):c.1999G>A (p.Glu667Lys)

Gene: PMS2. ClinVar aggregate classification (germline): Conflicting classifications of pathogenicity. Uncertain significance (14); Likely benign (1).

Submissions 11 to 16 of 16:

Women's Health and Genetics/Laboratory Corporation of America, LabCorp
Classification: Uncertain significance. Last evaluated: 2023-07-21. Review status: criteria provided, single submitter. Criteria: LabCorp Variant Classification Summary - May 2015. Collection method: clinical testing. Allele origin: germline.
Comment: Variant summary: PMS2 c.1999G>A (p.Glu667Lys) results in a conservative amino acid change in the encoded protein sequence. Three of five in-silico tools predict a benign effect of the variant on protein function. The variant allele was found at a frequency of 3.4e-05 in 238424 control chromosomes. The available data on variant occurrences in the general population are insufficient to allow any conclusion about variant significance. c.1999G>A has been reported in the literature as a VUS in settings of multigene panel testing among individuals affected with a variety of cancers (example, Kraus_2017, Yang_2016, Sahin_2022). These reports do not provide unequivocal conclusions about association of the variant with Hereditary Nonpolyposis Colorectal Cancer/Lynch syndrome. To our knowledge, no experimental evidence demonstrating an impact on protein function has been reported. The following publications have been ascertained in the context of this evaluation (PMID: 27616075, 35089076, 27449771). Seven submitters have cited clinical-significance assessments for this variant to ClinVar after 2014. All submitters classified the variant as uncertain significance. Based on the evidence outlined above, the variant was classified as uncertain significance.

Institute of Human Genetics, University of Leipzig Medical Center
Classification: Uncertain significance for Familial cancer of breast. Last evaluated: 2023-07-17. Review status: criteria provided, single submitter. Criteria: ACMG Guidelines, 2015. Collection method: clinical testing. Allele origin: unknown. Inheritance: Autosomal dominant inheritance. Affected: yes.
Comment: Criteria applied: PM2_SUP,PP3

Mayo Clinic Laboratories, Mayo Clinic
Classification: Uncertain significance. Last evaluated: 2023-01-11. Review status: criteria provided, single submitter. Criteria: ACMG Guidelines, 2015. Collection method: clinical testing. Allele origin: germline. Observed: 1 variant allele.

Sema4
Classification: Uncertain significance for Hereditary cancer-predisposing syndrome. Last evaluated: 2021-10-28. Review status: criteria provided, single submitter. Criteria: Sema4 Curation Guidelines. Collection method: curation. Allele origin: germline.
Comment: The PMS2 c.1999G>A (p.E667K) variant has been reported in individuals with peritoneal cancer and pancreatic cancer (PMID: 27616075, 27449771). It was observed in 7/110292 chromosomes of the Non-Finnish European subpopulation in the large and broad cohorts of the Genome Aggregation Database (PMID: 32461654). The variant has been reported in ClinVar (Variation ID 127769). Functional studies have not been performed, and in silico predictions of the variant's effect on protein function are inconclusive. The evidence is insufficient to meet ACMG/AMP criteria for classifying the variant as benign or pathogenic. Thus, the clinical significance of this variant is currently uncertain.

GeneKor MSA
Classification: Uncertain significance for Hereditary cancer-predisposing syndrome. Last evaluated: 2018-08-01. Review status: criteria provided, single submitter. Criteria: ACMG Guidelines, 2015. Collection method: clinical testing. Allele origin: germline. Affected: yes.

PreventionGenetics, part of Exact Sciences
Classification: Uncertain significance for PMS2-related condition. Last evaluated: 2024-05-24. Review status: no assertion criteria provided. Collection method: clinical testing. Allele origin: germline. Not counted in ClinVar's aggregate classification.
Comment: The PMS2 c.1999G>A variant is predicted to result in the amino acid substitution p.Glu667Lys. This variant has been reported as a variant of uncertain significance in individuals affected with peritoneal cancer (Kraus et al. 2017. PubMed ID: 27616075), colorectal cancer (Xu et al. 2020. PMID: 33294277), breast and/or ovarian cancer (Tsaousis et al. 2019. PubMed ID: 31159747; Li et al. 2019. PubMed ID: 31391288). This variant is reported in 0.0063% of alleles in individuals of European (Non-Finnish) descent in gnomAD and is interpreted as uncertain in ClinVar. At this time, the clinical significance of this variant is uncertain due to the absence of conclusive functional and genetic evidence.

Literature cited by the submitters: PubMed 27449771 (cited by 6 submitters); PubMed 27616075 (cited by 9 submitters); PubMed 33294277 (cited by 7 submitters); PubMed 35127508 (cited by 4 submitters); PubMed 36011273 (cited by 5 submitters); PubMed 31391288 (cited by Quest Diagnostics Nichols Institute San Juan Capistrano); PubMed 26689913 (cited by 3 submitters); PubMed 35089076 (cited by Quest Diagnostics Nichols Institute San Juan Capistrano and Women's Health and Genetics/Laboratory Corporation of America, LabCorp); PubMed 31159747 (cited by 4 submitters).